The following is an entry in ClinVar:

NM_032436.4(CHAMP1):c.2209C>T (p.Pro737Ser)

Gene: CHAMP1 (chromosome alignment maintaining phosphoprotein 1; plus strand). Cytogenetic location: 13q34.
Variant type: single nucleotide variant.
Coding change: c.2209C>T on transcript NM_032436.4 (MANE Select); coding-DNA position 2209, C replaced by T.
Protein change: p.Pro737Ser; replaces proline 737 with serine.
Molecular consequence: missense variant.
Genome position (GRCh38, 1-based): chr13:114,326,051, C>T. VCF-style: chr13-114326051-C-T. GRCh37 (hg19) VCF-style: chr13-115091526-C-T.
Other names: c.2209C>T, p.Pro737Ser (NM_001164144.3, NM_001164145.3); short protein forms P737S.
Identifiers: ClinVar variation 4085544 (VCV004085544.8).

ClinVar aggregate classification (germline): Uncertain significance (1 of 4 stars; one submission).

Submission:

CeGaT Center for Human Genetics Tuebingen
Classification: Uncertain significance. Last evaluated: 2025-07-01. Review status: criteria provided, single submitter. Criteria: CeGaT Center For Human Genetics Tuebingen Variant Classification Criteria Version 2. Collection method: clinical testing. Allele origin: germline. Affected: yes. Observed: 1 variant allele.
Comment: CHAMP1: PM2